The following is an entry in ClinVar:

ClinVar aggregate classification (germline): Uncertain significance (1 of 4 stars; one submission).

Conditions:
Von Hippel-Lindau syndrome (VHLS). Also called: von Hippel–Lindau syndrome; VHL syndrome; Von Hippel-Lindau. Identifiers: Orphanet 892, MedGen C0019562, MONDO:0008667, OMIM 193300. Disease mechanism: loss of function.

Submission:

Color Diagnostics, LLC DBA Color Health
Classification: Uncertain significance for Von Hippel-Lindau syndrome. Last evaluated: 2025-08-28. Review status: criteria provided, single submitter. Criteria: ACMG Guidelines, 2015. Collection method: clinical testing. Allele origin: germline.
Comment: This missense variant replaces leucine with valine at codon 48 of the VHL protein. Computational prediction suggests that this variant may not impact protein structure and function. A functional study has reported that this variant does not impact VHL function in a haploid cell proliferation assay (PMID: 38969834). To our knowledge, this variant has not been reported in individuals affected with VHL-related disorders in the literature. This variant has not been identified in the general population by the Genome Aggregation Database (gnomAD). The available evidence is insufficient to determine the role of this variant in disease conclusively. Therefore, this variant is classified as a Variant of Uncertain Significance.

Literature cited by the submitters: PubMed 38969834.

NM_000551.4(VHL):c.142C>G (p.Leu48Val)

Gene: VHL (von Hippel-Lindau tumor suppressor; plus strand). Cytogenetic location: 3p25.3.
Variant type: single nucleotide variant.
Coding change: c.142C>G on transcript NM_000551.4 (MANE Select); coding-DNA position 142, C replaced by G.
Protein change: p.Leu48Val; replaces leucine 48 with valine.
Molecular consequence: missense variant. On other transcripts: non-coding transcript variant (1).
Genome position (GRCh38, 1-based): chr3:10,141,989, C>G. VCF-style: chr3-10141989-C-G. GRCh37 (hg19) VCF-style: chr3-10183673-C-G.
Other names: c.142C>G, p.Leu48Val (NM_001354723.2, NM_198156.3); short protein forms L48V.
Identifiers: ClinVar variation 4757881 (VCV004757881.1).